The following is an entry in ClinVar:

ClinVar aggregate classification (germline): Uncertain significance (1 of 4 stars; one submission).

Conditions:
Lipodystrophy, partial, acquired, susceptibility to (APLD). Also called: APLD, SUSCEPTIBILITY TO. Identifiers: MedGen C3887501, MONDO:0100476, OMIM 608709.
Progressive myoclonic epilepsy type 9. Identifiers: Orphanet 457265, MedGen C4225289, MONDO:0014685, OMIM 616540.

Submission:

Labcorp Genetics (formerly Invitae), Labcorp
Classification: Uncertain significance for Progressive myoclonic epilepsy type 9; Lipodystrophy, partial, acquired, susceptibility to. Last evaluated: 2022-10-25. Review status: criteria provided, single submitter. Criteria: Invitae Variant Classification Sherloc (09022015). Collection method: clinical testing. Allele origin: germline.
Comment: This variant is not present in population databases (gnomAD no frequency). In summary, the available evidence is currently insufficient to determine the role of this variant in disease. Therefore, it has been classified as a Variant of Uncertain Significance. Advanced modeling of protein sequence and biophysical properties (such as structural, functional, and spatial information, amino acid conservation, physicochemical variation, residue mobility, and thermodynamic stability) performed at Invitae indicates that this missense variant is expected to disrupt LMNB2 protein function. ClinVar contains an entry for this variant (Variation ID: 945964). This variant has not been reported in the literature in individuals affected with LMNB2-related conditions. This sequence change replaces arginine, which is basic and polar, with leucine, which is neutral and non-polar, at codon 104 of the LMNB2 protein (p.Arg104Leu).

NM_032737.4(LMNB2):c.311G>T (p.Arg104Leu)

Gene: LMNB2 (lamin B2; minus strand). Cytogenetic location: 19p13.3.
Variant type: single nucleotide variant.
Coding change: c.311G>T on transcript NM_032737.4 (MANE Select); coding-DNA position 311, G replaced by T.
Protein change: p.Arg104Leu; replaces arginine 104 with leucine.
Molecular consequence: missense variant.
Genome position (GRCh38, 1-based): chr19:2,444,494, C>A on the plus strand (G>T on the coding strand, the complement: LMNB2 is on the minus strand). VCF-style: chr19-2444494-C-A. GRCh37 (hg19) VCF-style: chr19-2444492-C-A.
Other names: short protein forms R104L.
Identifiers: ClinVar variation 945964 (VCV000945964.9), dbSNP rs1004998035, ClinGen allele CA403259417.
Genomic context (GRCh38, chr19:2,444,494, plus strand): 5'-AGCTTCCCAATCTCTATCTGCAGCCGGGCACGCTCTCGAGCCGTCTCATCCAGGACTCTC[C>A]GGGCATCGGCCAGCTCCGACTCGTACAGCGCCTTGATGCCACTCACCTGGGGAGACCCAG-3'
Protein context (NP_116126.3, residues 94-114): ALYESELADA[Arg104Leu]RVLDETARER